The following is an entry in ClinVar:

NM_000059.4(BRCA2):c.6311A>G (p.Lys2104Arg)

Gene: BRCA2 (BRCA2 DNA repair associated; plus strand). Cytogenetic location: 13q13.1.
Variant type: single nucleotide variant.
Coding change: c.6311A>G on transcript NM_000059.4 (MANE Select); coding-DNA position 6311, A replaced by G.
Protein change: p.Lys2104Arg; replaces lysine 2104 with arginine.
Molecular consequence: missense variant. On other transcripts: non-coding transcript variant (1), intron variant (2).
Genome position (GRCh38, 1-based): chr13:32,340,666, A>G. VCF-style: chr13-32340666-A-G. GRCh37 (hg19) VCF-style: chr13-32914803-A-G.
Other names: c.6311A>G, p.Lys2104Arg (NM_001406719.1, NM_001406720.1, NM_001432077.1); c.1910-3892A>G (NM_001406721.1); c.425-3892A>G (NM_001406722.1); short protein forms K2104R.
Identifiers: ClinVar variation 4802323 (VCV004802323.1).
Genomic context (GRCh38, chr13:32,340,666, plus strand): 5'-ATTTAATCAGAACTGAGCATAGTCTTCACTATTCACCTACGTCTAGACAAAATGTATCAA[A>G]AATACTTCCTCGTGTTGATAAGAGAAACCCAGAGCACTGTGTAAACTCAGAAATGGAAAA-3'
Protein context (NP_000050.3, residues 2094-2114): YSPTSRQNVS[Lys2104Arg]ILPRVDKRNP

ClinVar aggregate classification (germline): Uncertain significance (1 of 4 stars; one submission).

Conditions:
Hereditary breast ovarian cancer syndrome. Also called: Hereditary breast and ovarian cancer syndrome (HBOC); Hereditary breast and ovarian cancer; Breast and ovarian cancer; Hereditary breast and/or ovarian cancer syndrome; BRCA1- and BRCA2-Associated Hereditary Breast and Ovarian Cancer; Hereditary breast and ovarian cancer syndrome. Identifiers: Orphanet 145, MedGen C0677776, MeSH D061325, MONDO:0003582. Disease mechanism: loss of function.

gnomAD v4.1: 1 of 1,607,742 alleles (0.000062%); highest among the groups gnomAD compares: East Asian, 0.0022%; no homozygotes.

Submission:

Labcorp Genetics (formerly Invitae), Labcorp
Classification: Uncertain significance for Hereditary breast ovarian cancer syndrome. Last evaluated: 2025-10-09. Review status: criteria provided, single submitter. Criteria: Invitae Variant Classification Sherloc (09022015). Collection method: clinical testing. Allele origin: germline.
Comment: This sequence change replaces lysine, which is basic and polar, with arginine, which is basic and polar, at codon 2104 of the BRCA2 protein (p.Lys2104Arg). This variant is present in population databases (no rsID available, gnomAD 0.006%). This variant has not been reported in the literature in individuals affected with BRCA2-related conditions. Invitae Evidence Modeling of protein sequence and biophysical properties (such as structural, functional, and spatial information, amino acid conservation, physicochemical variation, residue mobility, and thermodynamic stability) indicates that this missense variant is not expected to disrupt BRCA2 protein function with a negative predictive value of 95%. In summary, the available evidence is currently insufficient to determine the role of this variant in disease. Therefore, it has been classified as a Variant of Uncertain Significance.